The following is an entry in ClinVar:

ClinVar aggregate classification (germline): Likely benign (0 of 4 stars; one submission).

Conditions:
BSG-related disorder. Also called: BSG-related condition.

Allele frequency attached by ClinVar (database versions not stated): ESP Exome Variant Server 0.00023; TOPMed 0.00035; gnomAD 0.00038; 1000 Genomes Project 0.00040; ExAC 0.00046; 1000 Genomes Project 30x 0.00047.
gnomAD v4.1: 786 of 1,599,638 alleles (0.049%); highest among the groups gnomAD compares: Admixed American, 0.059%; 1 homozygote.

Submission:

PreventionGenetics, part of Exact Sciences
Classification: Likely benign for BSG-related condition. Last evaluated: 2020-01-02. Review status: no assertion criteria provided. Collection method: clinical testing. Allele origin: germline.
Comment: This variant is classified as likely benign based on ACMG/AMP sequence variant interpretation guidelines (Richards et al. 2015 PMID: 25741868, with internal and published modifications).

NM_001728.4(BSG):c.1026C>T (p.Ile342=)

Gene: BSG (basigin (Ok blood group); plus strand). Cytogenetic location: 19p13.3.
Variant type: single nucleotide variant.
Coding change: c.1026C>T on transcript NM_001728.4 (MANE Select); coding-DNA position 1026, C replaced by T.
Protein change: p.Ile342=; no amino-acid change (isoleucine 342 retained).
Molecular consequence: synonymous variant.
Genome position (GRCh38, 1-based): chr19:581,548, C>T. VCF-style: chr19-581548-C-T. GRCh37 (hg19) VCF-style: chr19-581548-C-T.
Other names: c.678C>T, p.Ile226= (NM_001322243.2, NM_198589.3); c.399C>T, p.Ile133= (NM_198590.3, NM_198591.4).
Identifiers: ClinVar variation 3041370 (VCV003041370.2), dbSNP rs199862501, ClinGen allele CA9018027.